The following is an entry in ClinVar:

ClinVar aggregate classification (germline): Pathogenic (1 of 4 stars; one submission).

Conditions:
Pheochromocytoma/paraganglioma syndrome 4. Also called: SDHB-Related Hereditary Paraganglioma-Pheochromocytoma Syndrome (Paragangliomas 4); SDHB-Related Hereditary Paraganglioma-Pheochromocytoma Syndrome; Paragangliomas 4; CAROTID BODY TUMORS AND MULTIPLE EXTRAADRENAL PHEOCHROMOCYTOMAS; PARAGANGLIOMA, FAMILIAL MALIGNANT; PARAGANGLIOMAS, HEREDITARY EXTRAADRENAL. Identifiers: Orphanet 29072, MedGen C1861848, MONDO:0007273, OMIM 115310.

Submission:

Labcorp Genetics (formerly Invitae), Labcorp
Classification: Pathogenic for Pheochromocytoma/paraganglioma syndrome 4. Last evaluated: 2017-04-20. Review status: criteria provided, single submitter. Criteria: Invitae Variant Classification Sherloc (09022015). Collection method: clinical testing. Allele origin: germline.
Comment: This variant is a gross deletion of the genomic region encompassing exons 2-8 of the SDHB gene. The 5' boundary is likely confined to intron 1. The 3' end of this event is unknown as it extends through the termination codon beyond the assayed region for this gene and may encompass additional genes. While this deletion is not anticipated to result in nonsense mediated decay, it is expected to create a truncated protein product or disrupt mRNA translation. Deletion of exons 2-8 has not been reported in the literature in individuals with an SDHB-related disease. Smaller exonic deletions within exons 2-8 have been reported in individuals affected with paraganglioma and/or pheochromocytoma (PMID: 17652212, 19029228, 22517554, 24977658). Furthermore, several missense substitutions between exons 2-8 have been determined to be pathogenic, including p.Trp200Cys (PMID: 20119652, 22835832), p.Cys196Tyr (PMID: 21172883, 19064958), and p.Val140Phe (PMID: 20583550, 20503330). This suggests that this region is critical for SDHB protein function. For these reasons, this variant has been classified as Pathogenic.

NC_000001.11:g.(?_17018875)_(17044894_?)del

Genes: SDHB (succinate dehydrogenase complex iron sulfur subunit B; minus strand), LOC129929541 (ATAC-STARR-seq lymphoblastoid active region 276; plus strand). Cytogenetic location: 1p36.13.
Variant type: Deletion.
Identifiers: ClinVar variation 468230 (VCV000468230.1).